The following is an entry in ClinVar:

ClinVar aggregate classification (germline): Pathogenic/Likely pathogenic. Review status: criteria provided, multiple submitters, no conflicts (2 of 4 stars). 2 submissions from 2 submitters: Pathogenic (1); Likely pathogenic (1). Last evaluated 2022-04-05.

Conditions:
Bardet-Biedl syndrome (BBS). Identifiers: Orphanet 110, MedGen C0752166, MONDO:0015229.
Bardet-Biedl syndrome 2 (BBS2). Identifiers: Orphanet 110, MedGen C2936863, MONDO:0014432, OMIM 615981.

Submissions (2):

Myriad Genetics, Inc.
Classification: Likely pathogenic for Bardet-Biedl syndrome 2. Last evaluated: 2022-04-05. Review status: criteria provided, single submitter. Criteria: Myriad Women's Health Autosomal Recessive and X-Linked Classification Criteria (2021). Collection method: clinical testing. Allele origin: unknown.
Comment: NM_031885.3(BBS2):c.437delG(G146Vfs*55) is expected to be pathogenic in the context of Bardet-Biedl syndrome, BBS2-related. This variant is predicted to lead to an abnormal or absent protein product due to the creation of a premature termination codon in BBS2, a gene where loss-of-function variants are known to be pathogenic. Please note: this variant was assessed in the context of healthy population screening.

Labcorp Genetics (formerly Invitae), Labcorp
Classification: Pathogenic for Bardet-Biedl syndrome. Last evaluated: 2020-06-12. Review status: criteria provided, single submitter. Criteria: Invitae Variant Classification Sherloc (09022015). Collection method: clinical testing. Allele origin: germline.
Comment: For these reasons, this variant has been classified as Pathogenic. Loss-of-function variants in BBS2 are known to be pathogenic (PMID: 11285252). Algorithms developed to predict the effect of sequence changes on RNA splicing suggest that this variant may create or strengthen a splice site, but this prediction has not been confirmed by published transcriptional studies. This variant has not been reported in the literature in individuals with BBS2-related conditions. This variant is not present in population databases (ExAC no frequency). This sequence change creates a premature translational stop signal (p.Gly146Valfs*55) in the BBS2 gene. It is expected to result in an absent or disrupted protein product.

Literature cited by the submitters: PubMed 11285252 (cited by Labcorp Genetics (formerly Invitae), Labcorp).

NM_031885.5(BBS2):c.437del (p.Gly146fs)

Gene: BBS2 (Bardet-Biedl syndrome 2; minus strand). Cytogenetic location: 16q13.
Variant type: Deletion.
Coding change: c.437del on transcript NM_031885.5 (MANE Select); coding-DNA position 437, one base deleted (G; older notation c.437delG).
Protein change: p.Gly146fs; shifts the reading frame from glycine 146.
Molecular consequence: frameshift variant. On other transcripts: non-coding transcript variant (5).
Genome position (GRCh38, 1-based): chr16:56,511,193, C deleted on the plus strand (G on the coding strand, the reverse complement: BBS2 is on the minus strand); the first of 2 consecutive C bases (chr16:56,511,193-56,511,194); deleting either gives the same sequence. VCF-style (leftmost placement, unchanged base first): chr16-56511192-AC-A. GRCh37 (hg19) VCF-style: chr16-56545104-AC-A.
Other names: c.437del, p.Gly146fs (NM_001377456.1); short protein forms G146fs.
Identifiers: ClinVar variation 1071242 (VCV001071242.9), dbSNP rs1170844318, ClinGen allele CA622312122.
Genomic context (GRCh38, chr16:56,511,192, plus strand): 5'-CCAAAAAGAATGTTTTCTTCTTCATACCGTCCAAAAGAGATCACTTCCTTCATGATTGAA[AC>A]CTTGCAGAGCACAATTGCCACCAATAATCGCAAGAGGGGAAGAAATGTCTCCCAATGTCC-3'